The following is an entry in ClinVar:

ClinVar aggregate classification (germline): Conflicting classifications of pathogenicity. Review status: criteria provided, conflicting classifications (1 of 4 stars). 3 submissions from 3 submitters: Uncertain significance (2); Likely benign (1). Last evaluated 2025-11-20.

Conditions:
Epidermodysplasia verruciformis, susceptibility to, 1. Identifiers: Orphanet 302, MedGen C4722564, MONDO:0100045, OMIM 226400.
Epidermodysplasia verruciformis. Identifiers: Orphanet 302, MedGen C0014522, MONDO:0009176.
Inborn genetic diseases. Identifiers: MedGen C0950123, MeSH D030342.

Allele frequency attached by ClinVar (database versions not stated): gnomAD exomes 0.00013 and 0.00034; ExAC 0.00095; ESP Exome Variant Server 0.00124; gnomAD 0.00131 and 0.00140; TOPMed 0.00142; 1000 Genomes Project 30x 0.00172; 1000 Genomes Project 0.00200.
gnomAD v4.1: 389 of 1,558,610 alleles (0.025%); highest among the groups gnomAD compares: African/African-American, 0.48%; no homozygotes.

Submissions (3):

Ambry Genetics
Classification: Uncertain significance for Inborn genetic diseases. Last evaluated: 2025-11-20. Review status: criteria provided, single submitter. Criteria: Ambry Variant Classification Scheme 2023. Collection method: clinical testing. Allele origin: germline.

Labcorp Genetics (formerly Invitae), Labcorp
Classification: Likely benign for Epidermodysplasia verruciformis. Last evaluated: 2025-10-15. Review status: criteria provided, single submitter. Criteria: Invitae Variant Classification Sherloc (09022015). Collection method: clinical testing. Allele origin: germline.

Center for Genomics, Ann and Robert H. Lurie Children's Hospital of Chicago
Classification: Uncertain significance for Epidermodysplasia verruciformis, susceptibility to, 1. Last evaluated: 2022-02-08. Review status: criteria provided, single submitter. Criteria: ACMG Guidelines, 2015. Collection method: clinical testing. Allele origin: germline.
Comment: This variant has not been reported in the literature but is present in 0.4% (190/41458) of African alleles in the Genome Aggregation Database. This variant is present in ClinVar (Variation ID:790929). This variant amino acid Leucine (Leu) is present in several species including multiple mammals and is not well conserved among evolutionarily distant species; this suggests that this variant may not impact the protein. Additional computational prediction tools do not suggest an impact. In summary, data on this variant is insufficient for disease classification. Therefore, the clinical significance of this variant is uncertain.

NM_001127198.5(TMC6):c.2384C>T (p.Pro795Leu)

Gene: TMC6 (transmembrane channel like 6; minus strand). Cytogenetic location: 17q25.3.
Variant type: single nucleotide variant.
Coding change: c.2384C>T on transcript NM_001127198.5 (MANE Select); coding-DNA position 2384, C replaced by T.
Protein change: p.Pro795Leu; replaces proline 795 with leucine.
Molecular consequence: missense variant. On other transcripts: non-coding transcript variant (4).
Genome position (GRCh38, 1-based): chr17:78,113,182, G>A on the plus strand (C>T on the coding strand, the complement: TMC6 is on the minus strand). VCF-style: chr17-78113182-G-A. GRCh37 (hg19) VCF-style: chr17-76109263-G-A.
Other names: c.2384C>T, p.Pro795Leu (NM_001321185.1, NM_001374596.1, NM_001375353.1 and 2 more transcripts); c.2204C>T, p.Pro735Leu (NM_001374593.1, NM_001374594.1); c.2384C>T (NM_007267.6); short protein forms P735L, P795L.
Identifiers: ClinVar variation 790929 (VCV000790929.13), dbSNP rs140852551, ClinGen allele CA8795283.